The following is an entry in ClinVar:

NM_000458.4(HNF1B):c.234G>C (p.Glu78Asp)

Gene: HNF1B (HNF1 homeobox B; minus strand). Cytogenetic location: 17q12.
Variant type: single nucleotide variant.
Coding change: c.234G>C on transcript NM_000458.4 (MANE Select); coding-DNA position 234, G replaced by C.
Protein change: p.Glu78Asp; replaces glutamic acid 78 with aspartic acid.
Molecular consequence: missense variant.
Genome position (GRCh38, 1-based): chr17:37,744,651, C>G on the plus strand (G>C on the coding strand, the complement: HNF1B is on the minus strand). VCF-style: chr17-37744651-C-G. GRCh37 (hg19) VCF-style: chr17-36104642-C-G.
Other names: c.234G>C, p.Glu78Asp (NM_001165923.4, NM_001304286.2); short protein forms E78D.
Identifiers: ClinVar variation 635723 (VCV000635723.1), dbSNP rs2511850885, ClinGen allele CA398753634.
Genomic context (GRCh38, chr17:37,744,651, plus strand): 5'-GAGCGCCTGCAGCTCCTTGAGGATGGGAGGTGTGTCATAGTCGTCGCCGTCCTCGGAGCC[C>G]TCGTCGCCGGACAAGCGGCCCTTGGCGTGGCCGTTGGTGAGAGTATGGAAGACCGGCTTG-3'
Protein context (NP_000449.1, residues 68-88): GHAKGRLSGD[Glu78Asp]GSEDGDDYDT

ClinVar aggregate classification (germline): Likely pathogenic (1 of 4 stars; one submission).

Conditions:
Renal cysts and diabetes syndrome (RCAD). Also called: Familial hypoplastic, glomerulocystic kidney; MATURITY-ONSET DIABETES OF THE YOUNG, TYPE 5. Identifiers: Orphanet 93111, MedGen C0431693, MONDO:0007669, OMIM 137920.

Submission:

Institute of Human Genetics, FAU Erlangen, Friedrich-Alexander-Universität Erlangen-Nürnberg
Classification: Likely pathogenic for Renal cysts and diabetes syndrome. Last evaluated: 2019-07-06. Review status: criteria provided, single submitter. Criteria: ACMG Guidelines, 2015. Collection method: literature only. Allele origin: germline. Affected: yes.
Comment: This variant and it's classification has been reported by Vasileiou et al. 2019; DOI:10.1101/576918. The variants has previously been reported in PMID:24429398 as "c.234G>C p.E78D" with clinical significance Pathogenic. It has been re-classified using InterVar and manual curation as Likely pathogenic based on PM1 PM2 PP3 PP5.

Literature cited by the submitters: PubMed 24429398; DOI 10.1101/576918.